The following is an entry in ClinVar:

NM_000334.4(SCN4A):c.65G>A (p.Arg22Gln)

Gene: SCN4A (sodium voltage-gated channel alpha subunit 4; minus strand). Cytogenetic location: 17q23.3.
Variant type: single nucleotide variant.
Coding change: c.65G>A on transcript NM_000334.4 (MANE Select); coding-DNA position 65, G replaced by A.
Protein change: p.Arg22Gln; replaces arginine 22 with glutamine.
Molecular consequence: missense variant.
Genome position (GRCh38, 1-based): chr17:63,972,777, C>T on the plus strand (G>A on the coding strand, the complement: SCN4A is on the minus strand). VCF-style: chr17-63972777-C-T. GRCh37 (hg19) VCF-style: chr17-62050137-C-T.
Other names: short protein forms R22Q.
Identifiers: ClinVar variation 1448851 (VCV001448851.6), dbSNP rs1413223155, ClinGen allele CA400640538.

ClinVar aggregate classification (germline): Uncertain significance (1 of 4 stars; one submission).

Conditions:
Hyperkalemic periodic paralysis. Also called: Familial hyperkalemic periodic paralysis; Gamstorp disease. Identifiers: Orphanet 682, MedGen C0238357, MONDO:0008224, OMIM 170500, HP:0007215.

Allele frequency attached by ClinVar (database versions not stated): gnomAD exomes below 0.00001.
gnomAD v4.1: 4 of 1,613,746 alleles (0.00025%); highest among the groups gnomAD compares: Non-Finnish European, 0.00034%; no homozygotes.

Submission:

Labcorp Genetics (formerly Invitae), Labcorp
Classification: Uncertain significance for Hyperkalemic periodic paralysis. Last evaluated: 2022-07-11. Review status: criteria provided, single submitter. Criteria: Invitae Variant Classification Sherloc (09022015). Collection method: clinical testing. Allele origin: germline.
Comment: This sequence change replaces arginine, which is basic and polar, with glutamine, which is neutral and polar, at codon 22 of the SCN4A protein (p.Arg22Gln). This variant is not present in population databases (gnomAD no frequency). This variant has not been reported in the literature in individuals affected with SCN4A-related conditions. ClinVar contains an entry for this variant (Variation ID: 1448851). Algorithms developed to predict the effect of missense changes on protein structure and function output the following: SIFT: "Tolerated"; PolyPhen-2: "Benign"; Align-GVGD: "Class C0". The glutamine amino acid residue is found in multiple mammalian species, which suggests that this missense change does not adversely affect protein function. Algorithms developed to predict the effect of sequence changes on RNA splicing suggest that this variant may create or strengthen a splice site. In summary, the available evidence is currently insufficient to determine the role of this variant in disease. Therefore, it has been classified as a Variant of Uncertain Significance.